The following is an entry in ClinVar:

NM_001126108.2(SLC12A3):c.1388G>A (p.Gly463Glu)

Gene: SLC12A3 (solute carrier family 12 member 3; plus strand). Cytogenetic location: 16q13.
Variant type: single nucleotide variant.
Coding change: c.1388G>A on transcript NM_001126108.2 (MANE Select); coding-DNA position 1388, G replaced by A.
Protein change: p.Gly463Glu; replaces glycine 463 with glutamic acid.
Molecular consequence: missense variant.
Genome position (GRCh38, 1-based): chr16:56,879,594, G>A. VCF-style: chr16-56879594-G-A. GRCh37 (hg19) VCF-style: chr16-56913506-G-A.
Other names: c.1388G>A, p.Gly463Glu (NM_000339.3); c.1385G>A, p.Gly462Glu (NM_001126107.2); short protein forms G462E, G463E.
Identifiers: ClinVar variation 1488711 (VCV001488711.10), dbSNP rs1375515522, ClinGen allele CA395987546.

ClinVar aggregate classification (germline): Likely pathogenic. Review status: criteria provided, multiple submitters, no conflicts (2 of 4 stars). 4 submissions from 4 submitters: Likely pathogenic (4). Last evaluated 2026-01-26.

Conditions:
Familial hypokalemia-hypomagnesemia (GTLMNS). Also called: HYPOMAGNESEMIA-HYPOKALEMIA, PRIMARY RENOTUBULAR, WITH HYPOCALCIURIA; POTASSIUM AND MAGNESIUM DEPLETION; gitelman syndrome. Identifiers: Orphanet 358, MedGen C0268450, MONDO:0009904, OMIM 263800.

Allele frequency attached by ClinVar (database versions not stated): gnomAD exomes below 0.00001 and 0.00001; gnomAD 0.00001; TOPMed 0.00001.
gnomAD v4.1: 22 of 1,613,690 alleles (0.0014%); highest among the groups gnomAD compares: Non-Finnish European, 0.0017%; no homozygotes.

Submissions (4):

Labcorp Genetics (formerly Invitae), Labcorp
Classification: Likely pathogenic. Last evaluated: 2026-01-26. Review status: criteria provided, single submitter. Criteria: Invitae Variant Classification Sherloc (09022015). Collection method: clinical testing. Allele origin: germline.
Comment: This sequence change replaces glycine, which is neutral and non-polar, with glutamic acid, which is acidic and polar, at codon 463 of the SLC12A3 protein (p.Gly463Glu). This variant is present in population databases (no rsID available, gnomAD 0.0009%). This missense change has been observed in individual(s) with clinical features of SLC12A3-related conditions (PMID: 12112667, 36302598). ClinVar contains an entry for this variant (Variation ID: 1488711). Invitae Evidence Modeling of protein sequence and biophysical properties (such as structural, functional, and spatial information, amino acid conservation, physicochemical variation, residue mobility, and thermodynamic stability) indicates that this missense variant is expected to disrupt SLC12A3 protein function with a positive predictive value of 95%. This variant disrupts the p.Gly463 amino acid residue in SLC12A3. Other variant(s) that disrupt this residue have been determined to be pathogenic (PMID: 27582097, 31672324). This suggests that this residue is clinically significant, and that variants that disrupt this residue are likely to be disease-causing. In summary, the currently available evidence indicates that the variant is pathogenic, but additional data are needed to prove that conclusively. Therefore, this variant has been classified as Likely Pathogenic.

Natera, Inc.
Classification: Likely pathogenic for Gitelman syndrome. Last evaluated: 2025-11-25. Review status: criteria provided, single submitter. Criteria: Natera Variant Classification Schema (03/2026). Collection method: clinical testing. Allele origin: germline.
Comment: The c.1388G>A variant in SLC12A3 is a missense variant predicted to cause substitution of glycine to glutamic acid at amino acid 463. This variant is rare in the general population with a frequency below the threshold expected for the associated phenotype(s). This variant has been observed in one or more individuals affected with the associated recessive disease, as either homozygous or compound heterozygous with a second variant (PMID: 25422309, 12112667). A different variant at the same position has been determined to be Pathogenic or Likely Pathogenic. Computational prediction algorithms indicate this variant is likely to affect gene or protein function. Given the available evidence, this variant is classified as Likely Pathogenic.

European Hospital Georges Pompidou Genetics Department, Assistance Publique - Hôpitaux de Paris AP-HP
Classification: Likely pathogenic for Familial hypokalemia-hypomagnesemia. Last evaluated: 2022-04-27. Review status: criteria provided, single submitter. Criteria: ACMG Guidelines, 2015. Collection method: clinical testing. Allele origin: germline. Affected: yes.
Comment: ACMG criteria used:PM1, PM2 PM5, PP3, PP5

Fulgent Genetics
Classification: Likely pathogenic for Familial hypokalemia-hypomagnesemia. Last evaluated: 2022-03-05. Review status: criteria provided, single submitter. Criteria: ACMG Guidelines, 2015. Collection method: clinical testing. Allele origin: unknown.

Literature cited by the submitters: PubMed 12112667 (cited by Labcorp Genetics (formerly Invitae), Labcorp and Natera, Inc.); PubMed 36302598 (cited by Labcorp Genetics (formerly Invitae), Labcorp); PubMed 27582097 (cited by Labcorp Genetics (formerly Invitae), Labcorp); PubMed 31672324 (cited by Labcorp Genetics (formerly Invitae), Labcorp); PubMed 25422309 (cited by Natera, Inc.).